The following is an entry in ClinVar:

NM_000552.5(VWF):c.3430T>G (p.Trp1144Gly)

Gene: VWF (von Willebrand factor; minus strand). Cytogenetic location: 12p13.31.
Variant type: single nucleotide variant.
Coding change: c.3430T>G on transcript NM_000552.5 (MANE Select); coding-DNA position 3430, T replaced by G.
Protein change: p.Trp1144Gly; replaces tryptophan 1144 with glycine.
Molecular consequence: missense variant.
Genome position (GRCh38, 1-based): chr12:6,022,848, A>C on the plus strand (T>G on the coding strand, the complement: VWF is on the minus strand). VCF-style: chr12-6022848-A-C. GRCh37 (hg19) VCF-style: chr12-6132014-A-C.
Other names: c.3430T>G (NM_000552.4); short protein forms W1144G.
Identifiers: ClinVar variation 100262 (VCV000100262.4), dbSNP rs267607325, ClinGen allele CA228406.
Genomic context (GRCh38, chr12:6,022,848, plus strand): 5'-CCAGTGGCTCAGGGTGCTGACACGTGACTTGACAGGCAGGTGCACAGCTGTTATAGCGCC[A>C]CTCACACTCATACCCGTTCTCCCGGAGATTCCTCTCCTCGCAGCTCTGGGCTGTGTAGAC-3'
Protein context (NP_000543.3, residues 1134-1154): NLRENGYECE[Trp1144Gly]RYNSCAPACQ

ClinVar aggregate classification (germline): Pathogenic. Review status: criteria provided, single submitter (1 of 4 stars). 2 submissions from 2 submitters: Pathogenic (1). 1 of the submissions does not count toward it. Last evaluated 2023-04-24.

Submissions (2):

Quest Diagnostics Nichols Institute San Juan Capistrano
Classification: Pathogenic. Last evaluated: 2023-04-24. Review status: criteria provided, single submitter. Criteria: Quest Diagnostics criteria. Collection method: clinical testing. Allele origin: unknown.
Comment: This variant has not been reported in large, multi-ethnic general populations. In the published literature, the variant has been reported in affected individuals with type 1, 2, and 3 VWD (PMIDs: 16835381 (2006), 24598842 (2014), 30722078 (2019), 33556167 (2021), and 35343054 (2022)). Functional studies suggested that this variant results in reduced protein function and showed the mildest phenotype by moderate quantitative reductions of high molecular weight multimers, platelet binding strings, and platelet binding capacity (PMID: 24598842 (2014)). Analysis of this variant using bioinformatics tools for the prediction of the effect of amino acid changes on protein structure and function yielded predictions that this variant is damaging. Based on the available information, this variant is classified as pathogenic.

Academic Unit of Haematology, University of Sheffield
No classification provided. Review status: no classification provided. Collection method: not provided. Allele origin: not provided. Not counted in ClinVar's aggregate classification.

Literature cited by the submitters: PubMed 16835381 (cited by Quest Diagnostics Nichols Institute San Juan Capistrano); PubMed 24598842 (cited by Quest Diagnostics Nichols Institute San Juan Capistrano); PubMed 29742318 (cited by Quest Diagnostics Nichols Institute San Juan Capistrano); PubMed 30722078 (cited by Quest Diagnostics Nichols Institute San Juan Capistrano); PubMed 31589614 (cited by Quest Diagnostics Nichols Institute San Juan Capistrano); PubMed 33556167 (cited by Quest Diagnostics Nichols Institute San Juan Capistrano); PubMed 35343054 (cited by Quest Diagnostics Nichols Institute San Juan Capistrano); PubMed 20088930 (cited by Quest Diagnostics Nichols Institute San Juan Capistrano); PubMed 26215113 (cited by Quest Diagnostics Nichols Institute San Juan Capistrano); PubMed 19453940 (cited by Quest Diagnostics Nichols Institute San Juan Capistrano); PubMed 19665675 (cited by Quest Diagnostics Nichols Institute San Juan Capistrano).